The following is an entry in ClinVar:

NM_000183.3(HADHB):c.807A>C (p.Val269=)

Gene: HADHB (hydroxyacyl-CoA dehydrogenase trifunctional multienzyme complex subunit beta; plus strand). Cytogenetic location: 2p23.3.
Variant type: single nucleotide variant.
Coding change: c.807A>C on transcript NM_000183.3 (MANE Select); coding-DNA position 807, A replaced by C.
Protein change: p.Val269=; no amino-acid change (valine 269 retained).
Molecular consequence: synonymous variant.
Genome position (GRCh38, 1-based): chr2:26,279,311, A>C. VCF-style: chr2-26279311-A-C. GRCh37 (hg19) VCF-style: chr2-26502179-A-C.
Other names: p.Val269=; c.762A>C, p.Val254= (NM_001281512.2); c.741A>C, p.Val247= (NM_001281513.2); c.807A>C (NM_000183.2).
Identifiers: ClinVar variation 2900969 (VCV002900969.6), dbSNP rs756497644, ClinGen allele CA44336615.
Genomic context (GRCh38, chr2:26,279,311, plus strand): 5'-CAGTCTAGCCAAGAAGGCACAGGATGAAGGACTCCTTTCTGATGTGGTACCCTTCAAAGT[A>C]CCAGGTGAAATGAAATGCTTCATGACACTTATTAGGGAGTTCTGAATTGCTCCTAAAACT-3'
Protein context (NP_000174.1, residues 259-279): GLLSDVVPFK[Val269=]PGKDTVTKDN

ClinVar aggregate classification (germline): Likely benign. Review status: criteria provided, multiple submitters, no conflicts (2 of 4 stars). 3 submissions from 3 submitters: Likely benign (2). 1 of the submissions does not count toward it. Last evaluated 2025-10-22.

Conditions:
HADHB-related disorder. Also called: HADHB-related condition.
Mitochondrial trifunctional protein deficiency. Identifiers: Orphanet 746, MedGen C1969443, MONDO:0012172.

Allele frequency attached by ClinVar (database versions not stated): gnomAD 0.00002; TOPMed 0.00002; gnomAD exomes 0.00004.
gnomAD v4.1: 63 of 1,606,330 alleles (0.0039%); highest among the groups gnomAD compares: Non-Finnish European, 0.0051%; no homozygotes.

Submissions (3):

Mayo Clinic Laboratories, Mayo Clinic
Classification: Likely benign. Last evaluated: 2025-10-22. Review status: criteria provided, single submitter. Criteria: ACMG Guidelines, 2015. Collection method: clinical testing. Allele origin: germline. Observed: 1 variant allele.
Comment: BP4, BP7

Labcorp Genetics (formerly Invitae), Labcorp
Classification: Likely benign for Mitochondrial trifunctional protein deficiency. Last evaluated: 2023-12-20. Review status: criteria provided, single submitter. Criteria: Invitae Variant Classification Sherloc (09022015). Collection method: clinical testing. Allele origin: germline.

PreventionGenetics, part of Exact Sciences
Classification: Likely benign for HADHB-related condition. Last evaluated: 2023-03-07. Review status: no assertion criteria provided. Collection method: clinical testing. Allele origin: germline. Not counted in ClinVar's aggregate classification.
Comment: This variant is classified as likely benign based on ACMG/AMP sequence variant interpretation guidelines (Richards et al. 2015 PMID: 25741868, with internal and published modifications).